The following is an entry in ClinVar:

NM_004560.4(ROR2):c.1240A>G (p.Ile414Val)

Gene: ROR2 (receptor tyrosine kinase like orphan receptor 2; minus strand). Cytogenetic location: 9q22.31.
Variant type: single nucleotide variant.
Coding change: c.1240A>G on transcript NM_004560.4 (MANE Select); coding-DNA position 1240, A replaced by G.
Protein change: p.Ile414Val; replaces isoleucine 414 with valine.
Molecular consequence: missense variant. On other transcripts: synonymous variant (1).
Genome position (GRCh38, 1-based): chr9:91,726,687, T>C on the plus strand (A>G on the coding strand, the complement: ROR2 is on the minus strand). VCF-style: chr9-91726687-T-C. GRCh37 (hg19) VCF-style: chr9-94488969-T-C.
Other names: c.1206A>G, p.Gln402= (NM_001318204.2); short protein forms I414V.
Identifiers: ClinVar variation 1446676 (VCV001446676.12), dbSNP rs145023692, ClinGen allele CA5120746.

ClinVar aggregate classification (germline): Uncertain significance. Review status: criteria provided, multiple submitters, no conflicts (2 of 4 stars). 2 submissions from 2 submitters: Uncertain significance (2). Last evaluated 2025-12-10.

Conditions:
Brachydactyly type B1 (BDB1). Identifiers: Orphanet 572385, Orphanet 93383, MedGen C1862112, MONDO:0007220, OMIM 113000.
Autosomal recessive Robinow syndrome (RRS1). Also called: ROR2-Related Robinow Syndrome; COSTOVERTEBRAL SEGMENTATION DEFECT WITH MESOMELIA; COVESDEM SYNDROME; ROBINOW SYNDROME, AUTOSOMAL RECESSIVE 1. Identifiers: Orphanet 1507, Orphanet 97360, MedGen C5399974, MONDO:0009999, OMIM 268310.

Allele frequency attached by ClinVar (database versions not stated): gnomAD exomes 0.00001 and 0.00003; ExAC 0.00002; gnomAD 0.00007; TOPMed 0.00008.
gnomAD v4.1: 23 of 1,613,800 alleles (0.0014%); highest among the groups gnomAD compares: African/African-American, 0.028%; no homozygotes.

Submissions (2):

Labcorp Genetics (formerly Invitae), Labcorp
Classification: Uncertain significance. Last evaluated: 2025-12-10. Review status: criteria provided, single submitter. Criteria: Invitae Variant Classification Sherloc (09022015). Collection method: clinical testing. Allele origin: germline.
Comment: This sequence change replaces isoleucine, which is neutral and non-polar, with valine, which is neutral and non-polar, at codon 414 of the ROR2 protein (p.Ile414Val). This variant is present in population databases (rs145023692, gnomAD 0.04%). This variant has not been reported in the literature in individuals affected with ROR2-related conditions. ClinVar contains an entry for this variant (Variation ID: 1446676). Invitae Evidence Modeling of protein sequence and biophysical properties (such as structural, functional, and spatial information, amino acid conservation, physicochemical variation, residue mobility, and thermodynamic stability) indicates that this missense variant is not expected to disrupt ROR2 protein function with a negative predictive value of 80%. In summary, the available evidence is currently insufficient to determine the role of this variant in disease. Therefore, it has been classified as a Variant of Uncertain Significance.

Fulgent Genetics
Classification: Uncertain significance for Brachydactyly type B1; Autosomal recessive Robinow syndrome. Last evaluated: 2024-01-05. Review status: criteria provided, single submitter. Criteria: ACMG Guidelines, 2015. Collection method: clinical testing. Allele origin: germline.